The following is an entry in ClinVar:

ClinVar aggregate classification (germline): Pathogenic (1 of 4 stars; one submission).

Conditions:
Hereditary nonpolyposis colon cancer (HNPCC). Also called: Hereditary Nonpolyposis Colorectal Cancer Syndrome; Hereditary nonpolyposis colorectal cancer; Familial nonpolyposis colon cancer. Identifiers: Orphanet 443909, MedGen C1333990, MONDO:0018630. Disease mechanism: loss of function.

Submission:

Women's Health and Genetics/Laboratory Corporation of America, LabCorp
Classification: Pathogenic for Hereditary nonpolyposis colon cancer. Last evaluated: 2022-03-03. Review status: criteria provided, single submitter. Criteria: LabCorp Variant Classification Summary - May 2015. Collection method: clinical testing. Allele origin: germline.
Comment: Variant summary: The variant identified by MLPA or other technology involves the deletion of exons 5-9 in the PMS2 gene. A presumed nomenclature of c.(353+1_354-1)_(988+1_989-1)del has been designated for the purposes of this classification. Although exact breakpoints of this deletion are not known, it is expected to result in a frameshift change in the PMS2 gene, a known mechanism of disease. The variant was absent in 21694 control chromosomes (gnomAD SVs, Structural Variants dataset). c.(353+1_354-1)_(988+1_989-1)del has been reported in the literature in individuals affected with colon cancer (Vaughn_2010, Susswein_2016). These data indicate that the variant may be associated with disease. To our knowledge, no experimental evidence demonstrating an impact on protein function has been reported. One ClinVar submitter (evaluation after 2014) cites the variant as pathogenic. Based on the evidence outlined above, the variant was classified as pathogenic.

Literature cited by the submitters: PubMed 20205264; PubMed 26681312.

NC_000007.13:g.(6029587_6031603)_(6042268_6043320)del

Gene: PMS2 (PMS1 homolog 2, mismatch repair system component; minus strand). Cytogenetic location: 7p22.1.
Variant type: Deletion.
Identifiers: ClinVar variation 1677226 (VCV001677226.1).